The following is an entry in ClinVar:

ClinVar aggregate classification (germline): Benign/Likely benign. Review status: criteria provided, multiple submitters, no conflicts (2 of 4 stars). 3 submissions from 3 submitters: Benign (1); Likely benign (1). 1 of the submissions does not count toward it. Last evaluated 2026-01-21.

Conditions:
PNLIP-related disorder. Also called: PNLIP-related condition.

Allele frequency attached by ClinVar (database versions not stated): ExAC 0.00059; gnomAD 0.00158; TOPMed 0.00175; ESP Exome Variant Server 0.00200; 1000 Genomes Project 30x 0.00219; 1000 Genomes Project 0.00220.
gnomAD v4.1: 538 of 1,608,700 alleles (0.033%); highest among the groups gnomAD compares: African/African-American, 0.57%; 2 homozygotes.

Submissions (3):

Labcorp Genetics (formerly Invitae), Labcorp
Classification: Benign. Last evaluated: 2026-01-21. Review status: criteria provided, single submitter. Criteria: Invitae Variant Classification Sherloc (09022015). Collection method: clinical testing. Allele origin: germline.

Blueprint Genetics
Classification: Likely benign. Last evaluated: 2024-09-13. Review status: criteria provided, single submitter. Criteria: ACMG Guidelines, 2015. Collection method: clinical testing. Allele origin: germline.

PreventionGenetics, part of Exact Sciences
Classification: Likely benign for PNLIP-related condition. Last evaluated: 2024-07-10. Review status: no assertion criteria provided. Collection method: clinical testing. Allele origin: germline. Not counted in ClinVar's aggregate classification.
Comment: This variant is classified as likely benign based on ACMG/AMP sequence variant interpretation guidelines (Richards et al. 2015 PMID: 25741868, with internal and published modifications).

NM_000936.4(PNLIP):c.468C>T (p.Phe156=)

Gene: PNLIP (pancreatic lipase; plus strand). Cytogenetic location: 10q25.3.
Variant type: single nucleotide variant.
Coding change: c.468C>T on transcript NM_000936.4 (MANE Select); coding-DNA position 468, C replaced by T.
Protein change: p.Phe156=; no amino-acid change (phenylalanine 156 retained).
Molecular consequence: synonymous variant.
Genome position (GRCh38, 1-based): chr10:116,553,735, C>T. VCF-style: chr10-116553735-C-T. GRCh37 (hg19) VCF-style: chr10-118313247-C-T.
Other names: c.468C>T (NM_000936.3).
Identifiers: ClinVar variation 2041451 (VCV002041451.6), dbSNP rs111790567, ClinGen allele CA5706502.